The following is an entry in ClinVar:

ClinVar aggregate classification (germline): Benign/Likely benign. Review status: criteria provided, multiple submitters, no conflicts (2 of 4 stars). 13 submissions from 13 submitters: Benign (6); Likely benign (3). 4 of the submissions do not count toward it. Last evaluated 2026-02-04.

Conditions:
Neuromuscular disease caused by qualitative or quantitative defects of dysferlin. Also called: Dysferlinopathy; Qualitative or quantitative defects of dysferlin. Identifiers: Orphanet 207073, MedGen C2931687, MONDO:0016145.
Autosomal recessive limb-girdle muscular dystrophy type 2B (LGMDR2). Also called: MUSCULAR DYSTROPHY, LIMB-GIRDLE, TYPE 3; Limb-Girdle Muscular Dystrophy Type 2B (LGMD2B); Limb-girdle muscular dystrophy, type 2B; MUSCULAR DYSTROPHY, LIMB-GIRDLE, AUTOSOMAL RECESSIVE 2. Identifiers: Orphanet 268, MedGen C1850889, MONDO:0009676, OMIM 253601.

Allele frequency attached by ClinVar (database versions not stated): 1000 Genomes Project 30x 0.01765; 1000 Genomes Project 0.01777; TOPMed 0.02697; ESP Exome Variant Server 0.02776; gnomAD 0.03113 and 0.03244; ExAC 0.03216; gnomAD exomes 0.03324 and 0.03849.
gnomAD v4.1: 60,647 of 1,614,128 alleles (3.8%); highest among the groups gnomAD compares: Non-Finnish European, 4.2%; 1,365 homozygotes.

Submissions (13):

Labcorp Genetics (formerly Invitae), Labcorp
Classification: Benign for Neuromuscular disease caused by qualitative or quantitative defects of dysferlin. Last evaluated: 2026-02-04. Review status: criteria provided, single submitter. Criteria: Invitae Variant Classification Sherloc (09022015). Collection method: clinical testing. Allele origin: germline.

Athena Diagnostics
Classification: Benign. Last evaluated: 2025-04-08. Review status: criteria provided, single submitter. Criteria: Athena Diagnostics Criteria. Collection method: clinical testing. Allele origin: unknown.
Comment: The frequency of this variant in the general population is higher than would generally be expected for pathogenic variants in this gene.

Blueprint Genetics
Classification: Likely benign. Last evaluated: 2024-11-26. Review status: criteria provided, single submitter. Criteria: ACMG Guidelines, 2015. Collection method: clinical testing. Allele origin: germline.

Illumina Laboratory Services, Illumina
Classification: Likely benign for Qualitative or quantitative defects of dysferlin. Last evaluated: 2018-01-12. Review status: criteria provided, single submitter. Criteria: ICSL Variant Classification Criteria 13 December 2019. Collection method: clinical testing. Allele origin: germline.
Comment: This variant was observed in the ICSL laboratory as part of a predisposition screen in an ostensibly healthy population. It had not been previously curated by ICSL or reported in the Human Gene Mutation Database (HGMD: prior to June 1st, 2018), and was therefore a candidate for classification through an automated scoring system. Utilizing variant allele frequency, disease prevalence and penetrance estimates, and inheritance mode, an automated score was calculated to assess if this variant is too frequent to cause the disease. Based on the score and internal cut-off values, a variant classified as likely benign is not then subjected to further curation. The score for this variant resulted in a classification of likely benign for this disease.

Mayo Clinic Laboratories, Mayo Clinic
Classification: Benign. Last evaluated: 2017-11-22. Review status: criteria provided, single submitter. Criteria: ACMG Guidelines, 2015. Collection method: clinical testing. Allele origin: germline. Observed: 73 variant alleles.

GeneDx
Classification: Benign. Last evaluated: 2016-02-29. Review status: criteria provided, single submitter. Criteria: GeneDx Variant Classification (06012015). Collection method: clinical testing. Allele origin: germline. Affected: yes.
Comment: This variant is considered likely benign or benign based on one or more of the following criteria: it is a conservative change, it occurs at a poorly conserved position in the protein, it is predicted to be benign by multiple in silico algorithms, and/or has population frequency not consistent with disease.

Eurofins Ntd Llc (ga)
Classification: Benign. Last evaluated: 2015-04-24. Review status: criteria provided, single submitter. Criteria: EGL Classification Definitions 2015. Collection method: clinical testing. Allele origin: germline. Observed: 9 variant alleles, 8 heterozygotes, 1 homozygote.

Breakthrough Genomics
Classification: Likely benign. Review status: criteria provided, single submitter. Criteria: ACMG Guidelines, 2015. Collection method: not provided. Allele origin: germline. Inheritance: Autosomal recessive inheritance. Affected: yes.

PreventionGenetics, part of Exact Sciences
Classification: Benign. Review status: criteria provided, single submitter. Criteria: ACMG Guidelines, 2015. Collection method: clinical testing. Allele origin: germline.

Natera, Inc.
Classification: Benign for Limb-girdle muscular dystrophy type 2B. Last evaluated: 2020-09-16. Review status: no assertion criteria provided. Collection method: clinical testing. Allele origin: germline. Not counted in ClinVar's aggregate classification.

Clinical Genetics, Academic Medical Center
Classification: Likely benign. Review status: no assertion criteria provided. Collection method: clinical testing. Allele origin: germline. Affected: yes. Study: VKGL Data-share Consensus. Not counted in ClinVar's aggregate classification.

Genetic Services Laboratory, University of Chicago
Classification: Likely benign for AllHighlyPenetrant. Review status: no assertion criteria provided. Collection method: clinical testing. Allele origin: germline. Inheritance: Autosomal recessive inheritance. Not counted in ClinVar's aggregate classification.
Comment: Likely benign based on allele frequency in 1000 Genomes Project or ESP global frequency and its presence in a patient with a rare or unrelated disease phenotype. NOT Sanger confirmed.

Laboratory of Diagnostic Genome Analysis, Leiden University Medical Center (LUMC)
Classification: Likely benign. Review status: no assertion criteria provided. Collection method: clinical testing. Allele origin: germline. Affected: yes. Study: VKGL Data-share Consensus. Not counted in ClinVar's aggregate classification.

NM_001130987.2(DYSF):c.666T>C (p.Pro222=)

Gene: DYSF (dysferlin; plus strand). Cytogenetic location: 2p13.2.
Variant type: single nucleotide variant.
Coding change: c.666T>C on transcript NM_001130987.2 (MANE Select); coding-DNA position 666, T replaced by C.
Protein change: p.Pro222=; no amino-acid change (proline 222 retained).
Molecular consequence: synonymous variant.
Genome position (GRCh38, 1-based): chr2:71,513,828, T>C. VCF-style: chr2-71513828-T-C. GRCh37 (hg19) VCF-style: chr2-71740958-T-C.
Other names: p.Pro190=; c.573T>C, p.Pro191= (NM_001130455.2, NM_001130983.2, NM_001130984.2 and 1 more transcripts); c.570T>C, p.Pro190= (NM_001130976.2, NM_001130977.2, NM_001130978.2 and 1 more transcripts); c.663T>C, p.Pro221= (NM_001130979.2, NM_001130980.2, NM_001130981.2); c.666T>C, p.Pro222= (NM_001130982.2, NM_001130985.2).
Identifiers: ClinVar variation 94345 (VCV000094345.31), dbSNP rs35392229, ClinGen allele CA147769.